The following is an entry in ClinVar:

ClinVar aggregate classification (germline): Uncertain significance (1 of 4 stars; one submission).

Conditions:
Early-infantile DEE. Also called: Early infantile epileptic encephalopathy with suppression bursts; Early infantile epileptic encephalopathy; Ohtahara syndrome. Identifiers: Orphanet 1934, MedGen C0393706, MONDO:0800491.

Allele frequency attached by ClinVar (database versions not stated): TOPMed 0.00004.
gnomAD v4.1: 13 of 1,613,870 alleles (0.00081%); highest among the groups gnomAD compares: Admixed American, 0.0067%; no homozygotes.

Submission:

Labcorp Genetics (formerly Invitae), Labcorp
Classification: Uncertain significance for Early-infantile DEE. Last evaluated: 2025-10-24. Review status: criteria provided, single submitter. Criteria: Invitae Variant Classification Sherloc (09022015). Collection method: clinical testing. Allele origin: germline.
Comment: This sequence change replaces arginine, which is basic and polar, with histidine, which is basic and polar, at codon 1026 of the SCN8A protein (p.Arg1026His). This variant is present in population databases (rs780010793, gnomAD 0.009%). This variant has not been reported in the literature in individuals affected with SCN8A-related conditions. ClinVar contains an entry for this variant (Variation ID: 1018267). Invitae Evidence Modeling of protein sequence and biophysical properties (such as structural, functional, and spatial information, amino acid conservation, physicochemical variation, residue mobility, and thermodynamic stability) indicates that this missense variant is not expected to disrupt SCN8A protein function with a negative predictive value of 95%. In summary, the available evidence is currently insufficient to determine the role of this variant in disease. Therefore, it has been classified as a Variant of Uncertain Significance.

NM_001330260.2(SCN8A):c.3077G>A (p.Arg1026His)

Gene: SCN8A (sodium voltage-gated channel alpha subunit 8; plus strand). Cytogenetic location: 12q13.13.
Variant type: single nucleotide variant.
Coding change: c.3077G>A on transcript NM_001330260.2 (MANE Select); coding-DNA position 3077, G replaced by A.
Protein change: p.Arg1026His; replaces arginine 1026 with histidine.
Molecular consequence: missense variant.
Genome position (GRCh38, 1-based): chr12:51,769,040, G>A. VCF-style: chr12-51769040-G-A. GRCh37 (hg19) VCF-style: chr12-52162824-G-A.
Other names: c.3077G>A, p.Arg1026His (NM_001177984.3, NM_001369788.1, NM_014191.4); short protein forms R1026H.
Identifiers: ClinVar variation 1018267 (VCV001018267.9), dbSNP rs780010793, ClinGen allele CA6571541.